The following is an entry in ClinVar:

ClinVar aggregate classification (germline): Likely benign. Review status: criteria provided, single submitter (1 of 4 stars). 2 submissions from 2 submitters: Likely benign (1). 1 of the submissions does not count toward it. Last evaluated 2026-01-15.

Conditions:
PKHD1-related disorder. Also called: PKHD1-related condition.
Autosomal recessive polycystic kidney disease (ARPKD). Also called: AR polycystic kidney disease. Identifiers: Orphanet 731, Orphanet 8378, MedGen C0085548, MeSH D017044, MONDO:0009889.

Allele frequency attached by ClinVar (database versions not stated): gnomAD exomes 0.00001 and 0.00004; ExAC 0.00002; TOPMed 0.00002; gnomAD 0.00003.
gnomAD v4.1: 17 of 1,614,038 alleles (0.0011%); highest among the groups gnomAD compares: East Asian, 0.036%; no homozygotes.

Submissions (2):

Labcorp Genetics (formerly Invitae), Labcorp
Classification: Likely benign for Autosomal recessive polycystic kidney disease. Last evaluated: 2026-01-15. Review status: criteria provided, single submitter. Criteria: Invitae Variant Classification Sherloc (09022015). Collection method: clinical testing. Allele origin: germline.

PreventionGenetics, part of Exact Sciences
Classification: Likely benign for PKHD1-related condition. Last evaluated: 2023-10-10. Review status: no assertion criteria provided. Collection method: clinical testing. Allele origin: germline. Not counted in ClinVar's aggregate classification.
Comment: This variant is classified as likely benign based on ACMG/AMP sequence variant interpretation guidelines (Richards et al. 2015 PMID: 25741868, with internal and published modifications).

NM_138694.4(PKHD1):c.3846T>G (p.Pro1282=)

Gene: PKHD1 (PKHD1 ciliary IPT domain containing fibrocystin/polyductin; minus strand). Cytogenetic location: 6p12.2.
Variant type: single nucleotide variant.
Coding change: c.3846T>G on transcript NM_138694.4 (MANE Select); coding-DNA position 3846, T replaced by G.
Protein change: p.Pro1282=; no amino-acid change (proline 1282 retained).
Molecular consequence: synonymous variant.
Genome position (GRCh38, 1-based): chr6:52,025,964, A>C on the plus strand (T>G on the coding strand, the complement: PKHD1 is on the minus strand). VCF-style: chr6-52025964-A-C. GRCh37 (hg19) VCF-style: chr6-51890762-A-C.
Other names: c.3846T>G, p.Pro1282= (NM_170724.3).
Identifiers: ClinVar variation 705477 (VCV000705477.13), dbSNP rs760349514, ClinGen allele CA3852824.